The following is an entry in ClinVar:

NM_001184880.2(PCDH19):c.3340C>A (p.Arg1114Ser)

Gene: PCDH19 (protocadherin 19; minus strand). Cytogenetic location: Xq22.1.
Variant type: single nucleotide variant.
Coding change: c.3340C>A on transcript NM_001184880.2 (MANE Select); coding-DNA position 3340, C replaced by A.
Protein change: p.Arg1114Ser; replaces arginine 1114 with serine.
Molecular consequence: missense variant.
Genome position (GRCh38, 1-based): chrX:100,296,384, G>T on the plus strand (C>A on the coding strand, the complement: PCDH19 is on the minus strand). VCF-style: chrX-100296384-G-T. GRCh37 (hg19) VCF-style: chrX-99551382-G-T.
Other names: c.3199C>A, p.Arg1067Ser (NM_001105243.2); c.3196C>A, p.Arg1066Ser (NM_020766.3); short protein forms R1066S, R1067S, R1114S.
Identifiers: ClinVar variation 844725 (VCV000844725.10), dbSNP rs763455091, ClinGen allele CA413999533.

ClinVar aggregate classification (germline): Uncertain significance (1 of 4 stars; one submission).

Conditions:
Developmental and epileptic encephalopathy, 9 (DEE9). Also called: PCDH19-Related X-Linked Female-Limited Epilepsy with Mental Retardation; Early infantile epileptic encephalopathy 9; JUBERG-HELLMAN SYNDROME; EPILEPSY, FEMALE-RESTRICTED, WITH MENTAL RETARDATION. Identifiers: Orphanet 101039, Orphanet 2076, MedGen C1848137, MONDO:0010246, OMIM 300088. Disease mechanism: loss of function.

Submission:

Labcorp Genetics (formerly Invitae), Labcorp
Classification: Uncertain significance for Developmental and epileptic encephalopathy, 9. Last evaluated: 2019-04-26. Review status: criteria provided, single submitter. Criteria: Invitae Variant Classification Sherloc (09022015). Collection method: clinical testing. Allele origin: germline.
Comment: This variant has not been reported in the literature in individuals with PCDH19-related conditions. This variant is not present in population databases (ExAC no frequency). This sequence change replaces arginine with serine at codon 1114 of the PCDH19 protein (p.Arg1114Ser). The arginine residue is highly conserved and there is a moderate physicochemical difference between arginine and serine. In summary, the available evidence is currently insufficient to determine the role of this variant in disease. Therefore, it has been classified as a Variant of Uncertain Significance. Algorithms developed to predict the effect of missense changes on protein structure and function are either unavailable or do not agree on the potential impact of this missense change (SIFT: "Deleterious"; PolyPhen-2: "Possibly Damaging"; Align-GVGD: "Class C0").